The following is an entry in ClinVar:

NM_080916.3(DGUOK):c.142+9C>T

Genes: DGUOK (deoxyguanosine kinase; plus strand), LOC129934096 (ATAC-STARR-seq lymphoblastoid active region 16036; plus strand). Cytogenetic location: 2p13.1.
Variant type: single nucleotide variant.
Coding change: c.142+9C>T on transcript NM_080916.3 (MANE Select); 9 bases into the intron after coding-DNA position 142, C replaced by T.
Molecular consequence: intron variant.
Genome position (GRCh38, 1-based): chr2:73,927,061, C>T. VCF-style: chr2-73927061-C-T. GRCh37 (hg19) VCF-style: chr2-74154188-C-T.
Other names: c.-123+9C>T (NM_001318861.2, NM_001318862.2); c.142+9C>T (NM_080918.3, NM_001318859.2); c.-37+9C>T (NM_001318860.2, NM_001318863.2).
Identifiers: ClinVar variation 214284 (VCV000214284.15), dbSNP rs377000908, ClinGen allele CA324562.

ClinVar aggregate classification (germline): Benign/Likely benign. Review status: criteria provided, multiple submitters, no conflicts (2 of 4 stars). 4 submissions from 4 submitters: Benign (2); Likely benign (1). 1 of the submissions does not count toward it. Last evaluated 2026-01-28.

Conditions:
DGUOK-related disorder. Also called: DGUOK-related condition.

Allele frequency attached by ClinVar (database versions not stated): ExAC 0.00026; ESP Exome Variant Server 0.00092; gnomAD 0.00092 and 0.00097; 1000 Genomes Project 0.00100; TOPMed 0.00101; 1000 Genomes Project 30x 0.00109.
gnomAD v4.1: 268 of 1,606,692 alleles (0.017%); highest among the groups gnomAD compares: African/African-American, 0.32%; no homozygotes.

Submissions (4):

Labcorp Genetics (formerly Invitae), Labcorp
Classification: Benign. Last evaluated: 2026-01-28. Review status: criteria provided, single submitter. Criteria: Invitae Variant Classification Sherloc (09022015). Collection method: clinical testing. Allele origin: germline.

Eurofins Ntd Llc (ga)
Classification: Likely benign. Last evaluated: 2016-10-26. Review status: criteria provided, single submitter. Criteria: EGL Classification Definitions 2015. Collection method: clinical testing. Allele origin: germline. Observed: 4 variant alleles, 4 heterozygotes.

GeneDx
Classification: Benign. Last evaluated: 2014-08-06. Review status: criteria provided, single submitter. Criteria: GeneDx Variant Classification (06012015). Collection method: clinical testing. Allele origin: germline. Affected: yes.
Comment: This variant is considered likely benign or benign based on one or more of the following criteria: it is a conservative change, it occurs at a poorly conserved position in the protein, it is predicted to be benign by multiple in silico algorithms, and/or has population frequency not consistent with disease.

PreventionGenetics, part of Exact Sciences
Classification: Likely benign for DGUOK-related condition. Last evaluated: 2019-11-11. Review status: no assertion criteria provided. Collection method: clinical testing. Allele origin: germline. Not counted in ClinVar's aggregate classification.
Comment: This variant is classified as likely benign based on ACMG/AMP sequence variant interpretation guidelines (Richards et al. 2015 PMID: 25741868, with internal and published modifications).